The following is an entry in ClinVar:

ClinVar aggregate classification (germline): Uncertain significance (1 of 4 stars; one submission).

Submission:

CeGaT Center for Human Genetics Tuebingen
Classification: Uncertain significance. Last evaluated: 2026-06-01. Review status: criteria provided, single submitter. Criteria: CeGaT Center For Human Genetics Tuebingen Variant Classification Criteria Version 2. Collection method: clinical testing. Allele origin: germline. Affected: yes. Observed: 1 variant allele.
Comment: RFX3: PM2, PP2, PP3

NM_001282116.2(RFX3):c.771G>C (p.Lys257Asn)

Gene: RFX3 (regulatory factor X3; minus strand). Cytogenetic location: 9p24.2.
Variant type: single nucleotide variant.
Coding change: c.771G>C on transcript NM_001282116.2 (MANE Select); coding-DNA position 771, G replaced by C.
Protein change: p.Lys257Asn; replaces lysine 257 with asparagine.
Molecular consequence: missense variant.
Genome position (GRCh38, 1-based): chr9:3,288,211, C>G on the plus strand (G>C on the coding strand, the complement: RFX3 is on the minus strand). VCF-style: chr9-3288211-C-G. GRCh37 (hg19) VCF-style: chr9-3288211-C-G.
Other names: c.771G>C, p.Lys257Asn (NM_001282117.2, NM_001377999.1, NM_002919.4 and 1 more transcripts); short protein forms K257N.
Identifiers: ClinVar variation 4875191 (VCV004875191.2).